The following is an entry in ClinVar:

ClinVar aggregate classification (germline): Pathogenic (1 of 4 stars; one submission).

Conditions:
Niemann-Pick disease, type A. Also called: SPHINGOMYELIN LIPIDOSIS; SPHINGOMYELINASE DEFICIENCY; Infantile Neurovisceral ASMD (Niemann-Pick Disease Type A; NPD-A). Identifiers: Orphanet 77292, MedGen C0268242, MONDO:0009756, OMIM 257200. Disease mechanism: loss of function.
Niemann-Pick disease, type B. Also called: Chronic Visceral ASMD (Niemann-Pick Disease Type B; NPD-B). Identifiers: Orphanet 77293, MedGen C0268243, MONDO:0011871, OMIM 607616. Disease mechanism: loss of function.

Submission:

Labcorp Genetics (formerly Invitae), Labcorp
Classification: Pathogenic for Niemann-Pick disease, type B; Niemann-Pick disease, type A. Last evaluated: 2022-03-18. Review status: criteria provided, single submitter. Criteria: Invitae Variant Classification Sherloc (09022015). Collection method: clinical testing. Allele origin: germline.
Comment: This sequence change creates a premature translational stop signal (p.Val83Alafs*23) in the SMPD1 gene. It is expected to result in an absent or disrupted protein product. Loss-of-function variants in SMPD1 are known to be pathogenic (PMID: 12369017, 15221801). This variant is not present in population databases (gnomAD no frequency). This variant has not been reported in the literature in individuals affected with SMPD1-related conditions. For these reasons, this variant has been classified as Pathogenic.

Literature cited by the submitters: PubMed 12369017; PubMed 15221801.

NM_000543.5(SMPD1):c.248del (p.Val83fs)

Gene: SMPD1 (sphingomyelin phosphodiesterase 1; plus strand). Cytogenetic location: 11p15.4.
Variant type: Deletion.
Coding change: c.248del on transcript NM_000543.5 (MANE Select); coding-DNA position 248, one base deleted (T; older notation c.248delT).
Protein change: p.Val83fs; shifts the reading frame from valine 83.
Molecular consequence: frameshift variant. On other transcripts: 5 prime UTR variant (1), non-coding transcript variant (2).
Genome position (GRCh38, 1-based): chr11:6,390,846, T deleted. VCF-style (leftmost placement, unchanged base first): chr11-6390845-GT-G. GRCh37 (hg19) VCF-style: chr11-6412075-GT-G.
Other names: c.248del, p.Val83fs (NM_001007593.3, NM_001318087.2, NM_001365135.2); c.-714del (NM_001318088.2); short protein forms V83fs.
Identifiers: ClinVar variation 2114056 (VCV002114056.4), dbSNP rs2493800618, ClinGen allele CA2580083940.
Genomic context (GRCh38, chr11:6,390,845, plus strand): 5'-CCTCTTTCTCCCCAAGGCCATCCTGCCAGGTTACATCGCATAGTGCCCCGGCTCCGAGAT[GT>G]CTTTGGGTGGGGGAACCTCACCTGCCCAATCTGCAAAGGTCTATTCACCGCCATCAACCT-3'